The following is an entry in ClinVar:

NM_152383.5(DIS3L2):c.2270del (p.Phe757fs)

Gene: DIS3L2 (DIS3 like 3'-5' exoribonuclease 2; plus strand). Cytogenetic location: 2q37.1.
Variant type: Deletion.
Coding change: c.2270del on transcript NM_152383.5 (MANE Select); coding-DNA position 2270, one base deleted (T; older notation c.2270delT).
Protein change: p.Phe757fs; shifts the reading frame from phenylalanine 757.
Molecular consequence: frameshift variant. On other transcripts: non-coding transcript variant (2), intron variant (1).
Genome position (GRCh38, 1-based): chr2:232,334,480, T deleted; the last of 2 consecutive T bases (chr2:232,334,479-232,334,480); deleting either gives the same sequence. VCF-style (leftmost placement, unchanged base first): chr2-232334478-CT-C. GRCh37 (hg19) VCF-style: chr2-233199188-CT-C.
Other names: c.2270delT (NM_152383.4); c.1582-8865del (NM_001257281.2); short protein forms F757fs.
Identifiers: ClinVar variation 241972 (VCV000241972.9), dbSNP rs878855224, ClinGen allele CA10581955.

ClinVar aggregate classification (germline): Pathogenic (1 of 4 stars; one submission).

Conditions:
Perlman syndrome (PRLMNS). Identifiers: Orphanet 2849, MedGen C0796113, MONDO:0009965, OMIM 267000.

Submission:

Labcorp Genetics (formerly Invitae), Labcorp
Classification: Pathogenic for Perlman syndrome. Last evaluated: 2019-11-13. Review status: criteria provided, single submitter. Criteria: Invitae Variant Classification Sherloc (09022015). Collection method: clinical testing. Allele origin: germline.
Comment: For these reasons, this variant has been classified as Pathogenic. Loss-of-function variants in DIS3L2 are known to be pathogenic (PMID: 22306653). This variant has not been reported in the literature in individuals with DIS3L2-related disease. ClinVar contains an entry for this variant (Variation ID: 241972). This variant is not present in population databases (ExAC no frequency). This sequence change creates a premature translational stop signal (p.Phe757Serfs*18) in the DIS3L2 gene. It is expected to result in an absent or disrupted protein product.

Literature cited by the submitters: PubMed 22306653.